The following is an entry in ClinVar:

NM_005670.4(EPM2A):c.64G>C (p.Val22Leu)

Genes: EPM2A (EPM2A glucan phosphatase, laforin; minus strand), EPM2A-DT (EPM2A divergent transcript; plus strand), LOC129997381 (ATAC-STARR-seq lymphoblastoid silent region 17642; plus strand). Cytogenetic location: 6q24.3.
Variant type: single nucleotide variant.
Coding change: c.64G>C on transcript NM_005670.4 (MANE Select); coding-DNA position 64, G replaced by C.
Protein change: p.Val22Leu; replaces valine 22 with leucine.
Molecular consequence: missense variant. On other transcripts: 5 prime UTR variant (3), intron variant (1).
Genome position (GRCh38, 1-based): chr6:145,735,435, C>G on the plus strand (G>C on the coding strand, the complement: EPM2A is on the minus strand). VCF-style: chr6-145735435-C-G. GRCh37 (hg19) VCF-style: chr6-146056571-C-G.
Other names: c.64G>C, p.Val22Leu (NM_001018041.2, NM_001360057.2, NM_001368130.1); c.-606G>C (NM_001360071.2); c.-560G>C (NM_001368129.2); c.-304G>C (NM_001368131.1); c.-114+473G>C (NM_001360064.2); short protein forms V22L.
Identifiers: ClinVar variation 1410425 (VCV001410425.8), dbSNP rs1776818861, ClinGen allele CA366188534.

ClinVar aggregate classification (germline): Uncertain significance (1 of 4 stars; one submission).

Conditions:
Progressive myoclonic epilepsy. Also called: Progressive myoclonus epilepsy; Familial progressive myoclonic epilepsy; Myoclonus epilepsy; Myoclonic Epilepsies, Progressive. Identifiers: Orphanet 308, Orphanet 98261, MedGen C0751778, MONDO:0020074.

gnomAD v4.1: 1 of 1,255,066 alleles (0.00008%); highest among the groups gnomAD compares: Non-Finnish European, 0.0001%; no homozygotes.

Submission:

Labcorp Genetics (formerly Invitae), Labcorp
Classification: Uncertain significance for Progressive myoclonic epilepsy. Last evaluated: 2024-12-16. Review status: criteria provided, single submitter. Criteria: Invitae Variant Classification Sherloc (09022015). Collection method: clinical testing. Allele origin: germline.
Comment: This sequence change replaces valine, which is neutral and non-polar, with leucine, which is neutral and non-polar, at codon 22 of the EPM2A protein (p.Val22Leu). This variant is not present in population databases (gnomAD no frequency). This variant has not been reported in the literature in individuals affected with EPM2A-related conditions. ClinVar contains an entry for this variant (Variation ID: 1410425). An algorithm developed to predict the effect of missense changes on protein structure and function outputs the following: PolyPhen-2: "Benign". The leucine amino acid residue is found in multiple mammalian species, which suggests that this missense change does not adversely affect protein function. In summary, the available evidence is currently insufficient to determine the role of this variant in disease. Therefore, it has been classified as a Variant of Uncertain Significance.